The following is an entry in ClinVar:

ClinVar aggregate classification (germline): Pathogenic/Likely pathogenic. Review status: criteria provided, multiple submitters, no conflicts (2 of 4 stars). 2 submissions from 2 submitters: Pathogenic (1); Likely pathogenic (1). Last evaluated 2023-12-13.

Conditions:
Developmental delay, impaired speech, and behavioral abnormalities. Identifiers: MedGen C5561957, MONDO:0859178, OMIM 619475.

Submissions (2):

GeneDx
Classification: Pathogenic. Last evaluated: 2023-12-13. Review status: criteria provided, single submitter. Criteria: GeneDx Variant Classification Process June 2021. Collection method: clinical testing. Allele origin: germline. Affected: yes.
Comment: Nonsense variant predicted to result in protein truncation or nonsense mediated decay in a gene for which loss of function is a known mechanism of disease; Identified assumed de novo in a cohort of individuals with autism spectrum disorder (PMID: 35982160); Not observed at significant frequency in large population cohorts (gnomAD); This variant is associated with the following publications: (PMID: 35982159, 35982160)

Department of Genetics, Rouen University Hospital, Normandy Center for Genomic and Personalized Medicine
Classification: Likely pathogenic for Developmental delay, impaired speech, and behavioral abnormalities. Last evaluated: 2021-10-05. Review status: criteria provided, single submitter. Criteria: ACMG Guidelines, 2015. Collection method: clinical testing. Allele origin: paternal. Affected: yes.

NM_003128.3(SPTBN1):c.3909C>G (p.Tyr1303Ter)

Gene: SPTBN1 (spectrin beta, non-erythrocytic 1; plus strand). Cytogenetic location: 2p16.2.
Variant type: single nucleotide variant.
Coding change: c.3909C>G on transcript NM_003128.3 (MANE Select); coding-DNA position 3909, C replaced by G.
Protein change: p.Tyr1303Ter; replaces tyrosine 1303 with a stop codon.
Molecular consequence: nonsense.
Genome position (GRCh38, 1-based): chr2:54,643,033, C>G. VCF-style: chr2-54643033-C-G. GRCh37 (hg19) VCF-style: chr2-54870170-C-G.
Other names: c.3870C>G, p.Tyr1290Ter (NM_178313.3); short protein forms Y1290*, Y1303*.
Identifiers: ClinVar variation 1343117 (VCV001343117.3), dbSNP rs748501800, ClinGen allele CA346896945.
Genomic context (GRCh38, chr2:54,643,033, plus strand): 5'-CTTTCTGTAGCTGTCTCTCTGGATCAATGAGAAGATGCTCACAGCCCAGGACATGTCTTA[C>G]GATGAAGCCAGAAATCTGCACAGTAAATGGTTGAAGCATCAAGCATTTATGGCAGAACTT-3'